The following is an entry in ClinVar:

NM_001492.6(GDF1):c.556T>C (p.Leu186=)

Genes: CERS1 (ceramide synthase 1; minus strand), GDF1 (growth differentiation factor 1; minus strand). Cytogenetic location: 19p13.11.
Variant type: single nucleotide variant.
Coding change: c.556T>C on transcript NM_001492.6 (MANE Select); coding-DNA position 556, T replaced by C.
Protein change: p.Leu186=; no amino-acid change (leucine 186 retained).
Molecular consequence: synonymous variant. On other transcripts: 3 prime UTR variant (2).
Genome position (GRCh38, 1-based): chr19:18,869,160, A>G on the plus strand (T>C on the coding strand, the complement: GDF1 is on the minus strand). VCF-style: chr19-18869160-A-G. GRCh37 (hg19) VCF-style: chr19-18979969-A-G.
Other names: c.*1417T>C (NM_001387440.1); c.*825T>C (NM_021267.5); c.556T>C, p.Leu186= (NM_001387438.1).
Identifiers: ClinVar variation 5038834 (VCV005038834.1).

ClinVar aggregate classification (germline): Likely benign (1 of 4 stars; one submission).

gnomAD v4.1: 4 of 1,136,334 alleles (0.00035%); highest among the groups gnomAD compares: Admixed American, 0.02%; no homozygotes.

Submission:

CeGaT Center for Human Genetics Tuebingen
Classification: Likely benign. Last evaluated: 2026-07-01. Review status: criteria provided, single submitter. Criteria: CeGaT Center For Human Genetics Tuebingen Variant Classification Criteria Version 2. Collection method: clinical testing. Allele origin: germline. Affected: yes. Observed: 1 variant allele.
Comment: GDF1: BP4, BP7